The following is an entry in ClinVar:

NM_001040616.3(LINS1):c.134C>T (p.Thr45Ile)

Gene: LINS1 (lines homolog 1; minus strand). Cytogenetic location: 15q26.3.
Variant type: single nucleotide variant.
Coding change: c.134C>T on transcript NM_001040616.3 (MANE Select); coding-DNA position 134, C replaced by T.
Protein change: p.Thr45Ile; replaces threonine 45 with isoleucine.
Molecular consequence: missense variant. On other transcripts: 5 prime UTR variant (1), non-coding transcript variant (3).
Genome position (GRCh38, 1-based): chr15:100,580,709, G>A on the plus strand (C>T on the coding strand, the complement: LINS1 is on the minus strand). VCF-style: chr15-100580709-G-A. GRCh37 (hg19) VCF-style: chr15-101120914-G-A.
Other names: c.-776C>T (NM_001352507.2); c.134C>T, p.Thr45Ile (NM_001352508.2); short protein forms T45I.
Identifiers: ClinVar variation 1031759 (VCV001031759.2), dbSNP rs144575104, ClinGen allele CA7759765.

ClinVar aggregate classification (germline): Uncertain significance. Review status: criteria provided, multiple submitters, no conflicts (2 of 4 stars). 2 submissions from 2 submitters: Uncertain significance (2). Last evaluated 2022-07-29.

Conditions:
Intellectual developmental disorder, autosomal recessive 27. Also called: Mental retardation, autosomal recessive 27; Intellectual disability, autosomal recessive 27. Identifiers: Orphanet 88616, MedGen C3280538, MONDO:0013702, OMIM 614340.

Allele frequency attached by ClinVar (database versions not stated): gnomAD 0.00013 and 0.00017; 1000 Genomes Project 0.00140; gnomAD exomes 0.00005 and 0.00004; TOPMed 0.00029; ExAC 0.00009; ESP Exome Variant Server 0.00023; 1000 Genomes Project 30x 0.00109.
gnomAD v4.1: 86 of 1,613,310 alleles (0.0053%); highest among the groups gnomAD compares: African/African-American, 0.1%; 3 homozygotes.

Submissions (2):

Women's Health and Genetics/Laboratory Corporation of America, LabCorp
Classification: Uncertain significance. Last evaluated: 2022-07-29. Review status: criteria provided, single submitter. Criteria: LabCorp Variant Classification Summary - May 2015. Collection method: clinical testing. Allele origin: germline.
Comment: Variant summary: LINS1 c.134C>T (p.Thr45Ile) results in a non-conservative amino acid change in the encoded protein sequence. Three of four in-silico tools predict a benign effect of the variant on protein function. The variant allele was found at a frequency of 5.2e-05 in 250200 control chromosomes (gnomAD). To our knowledge, no occurrence of c.134C>T in individuals affected with Intellectual Disability, Autosomal Recessive 27 and no experimental evidence demonstrating its impact on protein function have been reported. One clinical diagnostic laboratory has submitted clinical-significance assessments for this variant to ClinVar after 2014 and classified the variant as uncertain significance. Based on the evidence outlined above, the variant was classified as uncertain significance.

Baylor Genetics
Classification: Uncertain significance for Intellectual developmental disorder, autosomal recessive 27. Last evaluated: 2018-08-08. Review status: criteria provided, single submitter. Criteria: ACMG Guidelines, 2015. Collection method: clinical testing. Allele origin: unknown. Affected: yes.
Comment: This variant was determined to be of uncertain significance according to ACMG Guidelines, 2015 [PMID:25741868].